The following is an entry in ClinVar:

NM_017617.5(NOTCH1):c.4682G>C (p.Cys1561Ser)

Gene: NOTCH1 (notch receptor 1; minus strand). Cytogenetic location: 9q34.3.
Variant type: single nucleotide variant.
Coding change: c.4682G>C on transcript NM_017617.5 (MANE Select); coding-DNA position 4682, G replaced by C.
Protein change: p.Cys1561Ser; replaces cysteine 1561 with serine.
Molecular consequence: missense variant.
Genome position (GRCh38, 1-based): chr9:136,505,009, C>G on the plus strand (G>C on the coding strand, the complement: NOTCH1 is on the minus strand). VCF-style: chr9-136505009-C-G. GRCh37 (hg19) VCF-style: chr9-139399461-C-G.
Other names: short protein forms C1561S.
Identifiers: ClinVar variation 3300444 (VCV003300444.1).

ClinVar aggregate classification (germline): Uncertain significance (1 of 4 stars; one submission).

Conditions:
Familial thoracic aortic aneurysm and aortic dissection (TAAD). Also called: Thoracic aortic aneurysms and dissections. Identifiers: Orphanet 91387, MedGen C4707243, MONDO:0019625.

Submission:

Ambry Genetics
Classification: Uncertain significance for Familial thoracic aortic aneurysm and aortic dissection. Last evaluated: 2024-03-30. Review status: criteria provided, single submitter. Criteria: Ambry Variant Classification Scheme 2023. Collection method: clinical testing. Allele origin: germline.
Comment: The p.C1561S variant (also known as c.4682G>C), located in coding exon 26 of the NOTCH1 gene, results from a G to C substitution at nucleotide position 4682. The cysteine at codon 1561 is replaced by serine, an amino acid with dissimilar properties. This amino acid position is conserved. In addition, this alteration is predicted to be deleterious by in silico analysis. Based on the available evidence, the clinical significance of this alteration remains unclear.